The following is an entry in ClinVar:

NM_001041.4(SI):c.5234T>G (p.Phe1745Cys)

Gene: SI (sucrase-isomaltase; minus strand). Cytogenetic location: 3q26.1.
Variant type: single nucleotide variant.
Coding change: c.5234T>G on transcript NM_001041.4 (MANE Select); coding-DNA position 5234, T replaced by G.
Protein change: p.Phe1745Cys; replaces phenylalanine 1745 with cysteine.
Molecular consequence: missense variant.
Genome position (GRCh38, 1-based): chr3:164,983,015, A>C on the plus strand (T>G on the coding strand, the complement: SI is on the minus strand). VCF-style: chr3-164983015-A-C. GRCh37 (hg19) VCF-style: chr3-164700803-A-C.
Other names: short protein forms F1745C.
Identifiers: ClinVar variation 1417 (VCV000001417.26), dbSNP rs79717168, ClinGen allele CA115004.

ClinVar aggregate classification (germline): Conflicting classifications of pathogenicity. Review status: criteria provided, conflicting classifications (1 of 4 stars). 11 submissions from 11 submitters: Pathogenic (2); Likely pathogenic (5); Uncertain significance (2). 2 of the submissions do not count toward it. Last evaluated 2026-04-13.

Conditions:
SI-related disorder. Also called: SI-related condition.
Sucrase-isomaltase deficiency (CSID). Also called: SI DEFICIENCY; Deficiency of isomaltase; Congenital sucrose isomaltose malabsorption; Sucrose isomaltose enzyme deficiency. Identifiers: Orphanet 35122, MedGen C1283620, MONDO:0009114, OMIM 222900.

Allele frequency attached by ClinVar (database versions not stated): 1000 Genomes Project 0.00040; 1000 Genomes Project 30x 0.00047; gnomAD exomes 0.00097 and 0.00135; ExAC 0.00100; TOPMed 0.00100; gnomAD 0.00108.
gnomAD v4.1: 2,066 of 1,548,244 alleles (0.13%); highest among the groups gnomAD compares: Non-Finnish European, 0.16%; 4 homozygotes.

Submissions (12):

Dasa
Classification: Pathogenic. Last evaluated: 2026-04-13. Review status: criteria provided, single submitter. Criteria: DASA Assertion Criteria. Collection method: clinical testing. Allele origin: germline.
Comment: NM_001041.4(SI):c.5234T>G (p.Phe1745Cys) is a missense variant that results in the substitution of phenylalanine with cysteine. This variant has been recurrently observed in individuals with related phenotype (PMID: 16329100; PMID: 19680155; PMID: 23103650; PMID: 28062276). Segregation evidence has been reported in affected families. Multiple computational predictions support a deleterious effect on the gene or gene product. The variant is present at low frequency in population datasets. Based on the available data, this variant is classified as pathogenic.

GeneDx
Classification: Likely pathogenic. Last evaluated: 2025-09-09. Review status: criteria provided, single submitter. Criteria: GeneDx Variant Classification Process June 2021. Collection method: clinical testing. Allele origin: germline. Affected: yes.
Comment: Published functional studies demonstrate a damaging effect: reduced enzymatic activity and abnormal localization (PMID: 19121318, 28062276); In silico analysis supports that this missense variant has a deleterious effect on protein structure/function; This variant is associated with the following publications: (PMID: 20981092, 25525159, 32732636, 16329100, 27872184, 38682389, 38327254, 37951511, 31557950, 23103650, 33567694, 28062276, 35985447, 19121318)

Blueprint Genetics
Classification: Uncertain significance. Last evaluated: 2024-11-19. Review status: criteria provided, single submitter. Criteria: ACMG Guidelines, 2015. Collection method: clinical testing. Allele origin: germline.

Victorian Clinical Genetics Services, Murdoch Childrens Research Institute
Classification: Likely pathogenic for Sucrase-isomaltase deficiency. Last evaluated: 2024-10-21. Review status: criteria provided, single submitter. Criteria: ACMG Guidelines, 2015. Collection method: clinical testing. Allele origin: germline. Affected: yes.
Comment: This variant is classified as Likely pathogenic. Evidence in support of pathogenic classification: Variant is present in gnomAD <0.01 (v4: 2058 heterozygote(s), 4 homozygote(s)); This variant has strong previous evidence of pathogenicity in unrelated individuals. It has been classified as pathogenic or likely pathogenic by multiple clinical laboratories in ClinVar, as well as VUS. This variant has also been observed in a compound heterozygous state in multiple unrelated individuals with congenital sucrase-isomaltase deficiency (PMID: 33567694, 16329100, 19680155, 28062276); This variant has moderate functional evidence supporting abnormal protein function. Transfected COS-1 cells show this variant interferes with SI processing causing it to remain in the immature mannose-rich form localised in the endoplasmic reticulum. This variant also alters folding of the sucrase subunit making it unstable and inactive, while the isomaltase subunit remans intact (PMID: 19121318); Missense variant consistently predicted to be damaging by an in silico tool or highly conserved with a major amino acid change; Very strong and specific phenotype match for this individual. Additional information: Variant is predicted to result in a missense amino acid change from phenylalanine to cysteine; This variant is heterozygous; This gene is associated with both recessive and dominant disease. While CSID is more commonly associated with autosomal recessive disease, heterozygous individuals have been reported to present with a milder phenotype (PMID: 31557950); An alternative amino acid change at the same position has been observed in gnomAD (v4: 6 heterozygote(s), 0 homozygote(s)); No comparable missense variants have previous evidence for pathogenicity; Variant is not located in an established domain, motif, hotspot or informative constraint region; Loss of function is a known mechanism of disease in this gene and is associated with congenital sucrase-isomaltase deficiency (CSID) (MIM#222900); Inheritance information for this variant is not currently available in this individual.

Aleixo Muise Laboratory, Hospital For Sick Children
Classification: Likely pathogenic for Sucrase-isomaltase deficiency. Last evaluated: 2024-07-05. Review status: criteria provided, single submitter. Criteria: ACMG Guidelines, 2015. Collection method: research. Allele origin: germline. Affected: yes. Observed: 1 variant allele.
Comment: PS3;PM2;PP3;PP4

Fulgent Genetics
Classification: Likely pathogenic for Sucrase-isomaltase deficiency. Last evaluated: 2024-04-19. Review status: criteria provided, single submitter. Criteria: ACMG Guidelines, 2015. Collection method: clinical testing. Allele origin: germline.

Labcorp Genetics (formerly Invitae), Labcorp
Classification: Uncertain significance. Last evaluated: 2024-01-30. Review status: criteria provided, single submitter. Criteria: Invitae Variant Classification Sherloc (09022015). Collection method: clinical testing. Allele origin: germline.
Comment: This sequence change replaces phenylalanine, which is neutral and non-polar, with cysteine, which is neutral and slightly polar, at codon 1745 of the SI protein (p.Phe1745Cys). This variant is present in population databases (rs79717168, gnomAD 0.2%), including at least one homozygous and/or hemizygous individual. This missense change has been observed in individual(s) with congenital sucrase isomaltase deficiency (CSID) and has been described as one of the four variants commonly observed in individuals of European ancestry diagnosed with CSID (PMID: 16329100, 19680155, 23103650, 28062276). It has also been observed to segregate with disease in related individuals. ClinVar contains an entry for this variant (Variation ID: 1417). Advanced modeling of protein sequence and biophysical properties (such as structural, functional, and spatial information, amino acid conservation, physicochemical variation, residue mobility, and thermodynamic stability) has been performed at Invitae for this missense variant, however the output from this modeling did not meet the statistical confidence thresholds required to predict the impact of this variant on SI protein function. Experimental studies have shown that this missense change affects SI function (PMID: 19121318). In summary, the available evidence is currently insufficient to determine the role of this variant in disease. Therefore, it has been classified as a Variant of Uncertain Significance.

Illumina Laboratory Services, Illumina
Classification: Pathogenic for Sucrase-isomaltase deficiency. Last evaluated: 2017-04-27. Review status: criteria provided, single submitter. Criteria: ICSL Variant Classification Criteria 09 May 2019. Collection method: clinical testing. Allele origin: germline.
Comment: The SI c.5234T>G (p.Phe1745Cys) missense variant has been identified in individuals with congenital sucrase-isomaltase deficiency (CSID), including in a compound heterozygous state in at least four individuals and in a heterozygous state in two individuals in whom a second variant was not identified (Sander et al. 2006; Lucke et al. 2009). Uhrich et al. (2012) identified the p.Phe1745Cys variant in five out of 31 individuals with CSID, or an allele frequency of 0.08. Control data is not available for this variant, which is reported at a frequency of 0.00209 in the European-American population of the Exome Sequencing Project. Functional studies using COS cells transfected with wild type or variant SI plasmids demonstrated that the p.Phe1745Cys variant disrupts the trafficking of the SI protein out of the endoplasmic reticulum, and that the variant disrupts the folding and enzymatic activity of the essential sucrase domain of the SI protein (Alfalah et al. 2009). Based on the evidence, the p.Phe1745Cys variant is classified as pathogenic for congenital sucrase-isomaltase deficiency. This variant was observed by ICSL as part of a predisposition screen in an ostensibly healthy population.

Rady Children's Institute for Genomic Medicine, Rady Children's Hospital San Diego
Classification: Likely pathogenic for SUCRASE-ISOMALTASE DEFICIENCY, CONGENITAL. Review status: criteria provided, single submitter. Criteria: ACMG Guidelines, 2015. Collection method: clinical testing. Allele origin: germline. Affected: yes.
Comment: This variant has been previously reported as a compound heterozygous change in patients with congenital sucrase-isomaltase deficiency and a heterozygous change in individuals with increased risk for irritable bowel syndrome and abnormally low sucrase activity (PMID: 16329100, 19121318, 27872184, 32732636, 31557950, 33567694). Functional studies showed that the c.5234T>G (p.Phe1745Cys) variant resulted in protein misfolding (PMID: 19121318, 25525159). The c.5234T>G (p.Phe1745Cys) variant is present in the gnomAD population database at a frequency of 0.096% (270/281086) in the heterozygous state and a frequency of 0.00035% (1/281086) in the hemizygous state. The c.5234T>G (p.Phe1745Cys) variant affects a weakly conserved amino acid and is predicted by multiple in silico tools to have a deleterious effect on protein function. Based on the available evidence, the c.5234T>G (p.Phe1745Cys) variant is classified as Likely Pathogenic.

PreventionGenetics, part of Exact Sciences
Classification: Pathogenic for SI-related condition. Last evaluated: 2024-08-26. Review status: no assertion criteria provided. Collection method: clinical testing. Allele origin: germline. Not counted in ClinVar's aggregate classification.
Comment: The SI c.5234T>G variant is predicted to result in the amino acid substitution p.Phe1745Cys. This variant has been reported in the compound heterozygous state and along with other SI variants (phase not known) in individuals with congenital sucrose-isomaltase deficiency (CSID) (Sander et al. 2006. PMID: 16329100; Alfalah et al. 2009. PMID: 19121318; Lücke et al. 2009. PubMed ID: 19680155; Uhrich et al. 2012. PubMed ID: 23103650; Esposito et al. 2021. PubMed ID: 33567694). This variant has been reported in the heterozygous state in individuals with functional gastrointestinal disorders including functional abdominal pain (FAP), irritable bowel syndrome with diarrhea (IBS-D), IBS mixed phenotype (IBS-M), functional dyspepsia (FD), and non-erosive reflux disease (NERD) (Henström et al. 2018. PubMed ID: 27872184; Table S2 and S3, Deb et al. 2021. PubMed ID: 32732636). A study of individuals heterozygous for the p.Phe1745Cys variant showed that all individuals tested had abnormally low sucrase levels (Table S2 and S3, Deb et al. 2021. PubMed ID: 32732636). An analysis of the SI protein showed that the p.Phe1745Cys variant altered protein folding and abolished sucrase and isomaltase/palatinase activity (Alfalah et al. 2009. PubMed ID: 19121318; Gericke et al. 2017. PubMed ID: 28062276). This variant is reported in 0.27% of alleles in individuals of Ashkenazi Jewish descent in gnomAD, was also present in the 1000 genomes data, however no specific information was provided for those tested (Supplementary Table 5, 1000 Genomes Project. 2010. PubMed ID: 20981092), and has been reported in control populations (Henström et al. 2018. PubMed ID: 27872184). CSID is commonly known to be inherited in a homozygous or compound heterozygous manner (Naim et al. 2012. PubMed ID: 23103643), therefore this variant is pathogenic for autosomal recessive disease. However, heterozygous carriers of known rare CSID variants, including the p.Phe1745Cys variant, may be at an increased risk of mild forms of CSID or IBS (Henström et al. 2018. PubMed ID: 27872184; Husein et al. 2019. PubMed ID: 31557950), therefore this variant is uncertain in regards to autosomal dominant SI-related disease.

OMIM
Classification: Pathogenic for SUCRASE-ISOMALTASE DEFICIENCY, CONGENITAL. Last evaluated: 2006-01-01. Review status: no assertion criteria provided. Collection method: literature only. Allele origin: germline. Not counted in ClinVar's aggregate classification.

Dr. Peter K. Rogan Lab, Western University
No classification provided (evidence only). Condition: Malignant tumor of urinary bladder. Review status: no classification provided. Collection method: in vitro. Allele origin: not applicable. Functional consequence: retained intron. Not counted in ClinVar's aggregate classification.

Literature cited by the submitters: PubMed 16329100 (cited by 4 submitters); PubMed 19680155 (cited by 4 submitters); PubMed 23103650 (cited by 3 submitters); PubMed 28062276 (cited by 3 submitters); PubMed 19121318 (cited by 3 submitters); PubMed 33567694 (cited by Victorian Clinical Genetics Services, Murdoch Childrens Research Institute); PubMed 31557950 (cited by Victorian Clinical Genetics Services, Murdoch Childrens Research Institute); Sander, P., Alfalah, M., Keiser, M., Korponay-Szabo, I., Kovacs, J. B., Leeb, T., Naim, H. Y. Novel mutations in the human sucrase-isomaltase gene (SI) that cause congenital carbohydrate malabsorption. Hum. Mutat. 27: 119-only, 2006. (cited by OMIM).